The following is an entry in ClinVar:

NM_213720.3(CHCHD10):c.176C>T (p.Ser59Leu)

Gene: CHCHD10 (coiled-coil-helix-coiled-coil-helix domain containing 10; minus strand). Cytogenetic location: 22q11.23.
Variant type: single nucleotide variant.
Coding change: c.176C>T on transcript NM_213720.3 (MANE Select); coding-DNA position 176, C replaced by T.
Protein change: p.Ser59Leu; replaces serine 59 with leucine.
Molecular consequence: missense variant. On other transcripts: non-coding transcript variant (1).
Genome position (GRCh38, 1-based): chr22:23,767,459, G>A on the plus strand (C>T on the coding strand, the complement: CHCHD10 is on the minus strand). VCF-style: chr22-23767459-G-A. GRCh37 (hg19) VCF-style: chr22-24109646-G-A.
Other names: c.176C>T, p.Ser59Leu (NM_001301339.2); short protein forms S59L.
Identifiers: ClinVar variation 140745 (VCV000140745.13), dbSNP rs587777574, ClinGen allele CA163486.
Genomic context (GRCh38, chr22:23,767,459, plus strand): 5'-TCCGAGCTCCCCCCGCTGAAGGCTCCGGTCAGGGCGCTGCCCATGACGTGTCCCACAGCC[G>A]AGCCCACGGCTACCCCTGCGGCCGTGGTCGCCATCTGAGCCATGAGCCCCGGCTGGCCCG-3'
Protein context (NP_998885.1, residues 49-69): ATTAAGVAVG[Ser59Leu]AVGHVMGSAL

ClinVar aggregate classification (germline): Pathogenic/Likely pathogenic. Review status: criteria provided, multiple submitters, no conflicts (2 of 4 stars). 7 submissions from 7 submitters: Pathogenic (4); Likely pathogenic (1). 2 of the submissions do not count toward it. Last evaluated 2022-11-23.

Conditions:
CHCHD10-related disorder. Also called: CHCHD10-Related Disorders; CHCHD10-related condition. Identifiers: MedGen CN381526.
Autosomal dominant mitochondrial myopathy with exercise intolerance (IMMD). Also called: Myopathy, isolated mitochondrial, autosomal dominant. Identifiers: Orphanet 457050, MedGen C4015513, MONDO:0014532, OMIM 616209.
Frontotemporal dementia and/or amyotrophic lateral sclerosis 2. Also called: FTDALS2. Identifiers: Orphanet 275872, MedGen C4014648, MONDO:0014395, OMIM 615911.

Submissions (7):

GeneDx
Classification: Pathogenic. Last evaluated: 2022-11-23. Review status: criteria provided, single submitter. Criteria: GeneDx Variant Classification Process June 2021. Collection method: clinical testing. Allele origin: germline. Affected: yes.
Comment: Published functional studies demonstrate a damaging effect (Bannwarth et al., 2014); Not observed at significant frequency in large population cohorts (gnomAD); This variant is associated with the following publications: (PMID: 30877432, 28585542, 26666268, 29789341, 24934289, 28749476)

Blueprint Genetics
Classification: Pathogenic for CHCHD10-related disorders. Last evaluated: 2022-11-04. Review status: criteria provided, single submitter. Criteria: ACMG Guidelines, 2015. Collection method: clinical testing. Allele origin: germline. Affected: yes. Observed: 1 variant allele.

Institute of Medical Genetics and Applied Genomics, University Hospital Tübingen
Classification: Pathogenic. Last evaluated: 2020-10-23. Review status: criteria provided, single submitter. Criteria: ACMG Guidelines, 2015. Collection method: clinical testing. Allele origin: germline. Inheritance: Unknown mechanism. Affected: yes.

Suna and Inan Kirac Foundation Neurodegeneration Research Laboratory, Koc University
Classification: Likely pathogenic for Frontotemporal dementia and/or amyotrophic lateral sclerosis 2. Last evaluated: 2020-03-31. Review status: criteria provided, single submitter. Criteria: ACMG Guidelines, 2015. Collection method: research. Allele origin: germline. Affected: yes. Observed: 1 variant allele.

Juno Genomics, Hangzhou Juno Genomics, Inc
Classification: Pathogenic for Frontotemporal dementia and/or amyotrophic lateral sclerosis 2. Review status: criteria provided, single submitter. Criteria: ACMG Guidelines, 2015. Collection method: clinical testing. Allele origin: germline. Affected: yes.
Comment: Absent from controls (or at extremely low frequency if recessive) in Genome Aggregation Database, Exome Sequencing Project, 1000 Genomes Project, or Exome Aggregation Consortium.;Well-established in vitro or in vivo functional studies supportive of a damaging effect on the gene or gene product.;Co-segregation with disease in multiple affected family members in a gene definitively known to cause the disease.;The prevalence of the variant in affected individuals is significantly increased compared to the prevalence in controls.

OMIM
Classification: Pathogenic for FRONTOTEMPORAL DEMENTIA AND/OR AMYOTROPHIC LATERAL SCLEROSIS 2. Last evaluated: 2014-08-01. Review status: no assertion criteria provided. Collection method: literature only. Allele origin: germline. Not counted in ClinVar's aggregate classification.

GeneReviews
No classification provided. Condition: Autosomal dominant mitochondrial myopathy with exercise intolerance. Review status: no classification provided. Collection method: literature only. Allele origin: germline. Not counted in ClinVar's aggregate classification.
Comment: Variant associated with late-onset complex phenotype including motor neuron disease, cognitive decline resembling FTD (frontotemporal dementia), cerebellar ataxia, and myopathy.

Literature cited by the submitters: PubMed 24934289 (cited by OMIM and GeneReviews); PubMed 30014597 (cited by OMIM).